The following is an entry in ClinVar:

NM_138927.4(SON):c.5610GAG[1] (p.Arg1872del)

Gene: SON (SON DNA and RNA binding protein; plus strand). Cytogenetic location: 21q22.11.
Variant type: Microsatellite.
Coding change: c.5610GAG[1] on transcript NM_138927.4 (MANE Select); one copy of the 3-base unit GAG starting at c.5610; the reference has two copies in a row; one copy, 3 bases deleted; also written c.5613_5615del.
Protein change: p.Arg1872del; deletes arginine 1872.
Molecular consequence: inframe deletion. On other transcripts: non-coding transcript variant (1), intron variant (1).
Genome position (GRCh38, 1-based): chr21:33,554,844-33,554,846, GAG deleted; deleting any 3 consecutive bases within chr21:33,554,839-33,554,846 gives the same sequence; the position shown is the placement nearest the transcript's 3' end. VCF-style (leftmost placement, unchanged base first): chr21-33554838-CAGG-C. GRCh37 (hg19) VCF-style: chr21-34927144-CAGG-C.
Other names: c.5610GAG[1], p.Arg1872del (NM_001291411.2, NM_032195.3); c.245-2312_245-2310del (NM_001291412.3); c.5613_5615del (NM_138927.4); short protein forms R1872del.
Identifiers: ClinVar variation 5006414 (VCV005006414.2).

ClinVar aggregate classification (germline): Uncertain significance (1 of 4 stars; one submission).

Conditions:
ZTTK syndrome (ZTTKS). Also called: Zhu-Tokita-Takenouchi-Kim Syndrome; ZTTK MULTIPLE CONGENITAL ANOMALIES-MENTAL RETARDATION SYNDROME. Identifiers: Orphanet 500150, MedGen C4310696, MONDO:0014936, OMIM 617140.

Submission:

Juno Genomics, Hangzhou Juno Genomics, Inc
Classification: Uncertain significance for ZTTK syndrome. Review status: criteria provided, single submitter. Criteria: ACMG Guidelines, 2015. Collection method: clinical testing. Allele origin: germline.
Comment: Protein length changes due to in-frame deletions/insertions in a non-repeat region or stop-loss variants.;Absent from controls (or at extremely low frequency if recessive) in Genome Aggregation Database.